The following is an entry in ClinVar:

ClinVar aggregate classification (germline): Benign. Review status: criteria provided, multiple submitters, no conflicts (2 of 4 stars). 4 submissions from 4 submitters: Benign (4). Last evaluated 2023-11-06.

Conditions:
Lynch syndrome 8 (LYNCH8). Also called: Colorectal cancer, hereditary nonpolyposis, type 8. Identifiers: Orphanet 144, MedGen C2750471, MONDO:0013196, OMIM 613244.

Submissions (4):

Labcorp Genetics (formerly Invitae), Labcorp
Classification: Benign. Last evaluated: 2023-11-06. Review status: criteria provided, single submitter. Criteria: Invitae Variant Classification Sherloc (09022015). Collection method: clinical testing. Allele origin: germline.

KCCC/NGS Laboratory, Kuwait Cancer Control Center
Classification: Benign for Lynch syndrome 8. Last evaluated: 2023-07-07. Review status: criteria provided, single submitter. Criteria: ACMG Guidelines, 2015. Collection method: clinical testing. Allele origin: germline. Affected: yes.

CeGaT Center for Human Genetics Tuebingen
Classification: Benign. Last evaluated: 2022-07-01. Review status: criteria provided, single submitter. Criteria: CeGaT Center For Human Genetics Tuebingen Variant Classification Criteria Version 2. Collection method: clinical testing. Allele origin: germline. Affected: yes. Observed: 1 variant allele.
Comment: EPCAM: BS1, BS2

Women's Health and Genetics/Laboratory Corporation of America, LabCorp
Classification: Benign. Last evaluated: 2017-09-19. Review status: criteria provided, single submitter. Criteria: LabCorp Variant Classification Summary - May 2015. Collection method: clinical testing. Allele origin: germline.
Comment: Variant summary: The EPCAM c.344_345delinsCA (p.Met115Thr) variant causes a missense change involving a codon located in the Thyroglobulin type-1 domain (InterPro). Four in silico tools predicted a benign outcome for this variant. This variant was found in 3/246238 control chromosomes from all ethnicities at a frequency of 0.0000122, which does not exceed the estimated maximal expected allele frequency of a pathogenic EPCAM variant (0.0000284). However, two subpopulations (Latino and South Asian) have frequencies that do exceed this maximum, suggesting the variant may be a benign polymorphism in these populations. In addition, the EPCAM c.344C>T variant (classified as benign in our internal database) causes the same p.Met115Thr change and is reported as the predominant allele in the gnomAD database with a frequency of 0.5225 (144772/277076 chromosomes, 40945 homozygotes), strongly suggesting this is a benign polymorphism. The variant of interest has not, to our knowledge, been reported in affected individuals via publications and/or reputable databases/clinical diagnostic laboratories; nor evaluated for functional impact by in vivo/vitro studies. Due to the gnomAD frequency for the missense change, which the variant of interest also causes, this variant is classified as benign.

NM_002354.3(EPCAM):c.344_345inv (p.Met115Thr)

Gene: EPCAM (epithelial cell adhesion molecule; plus strand). Cytogenetic location: 2p21.
Variant type: Inversion.
Coding change: c.344_345inv on transcript NM_002354.3 (MANE Select).
Protein change: p.Met115Thr; replaces methionine 115 with threonine.
Molecular consequence: missense variant.
Genome position: GRCh38 VCF-style: chr2-47373967-TG-CA. GRCh37 (hg19) VCF-style: chr2-47601106-TG-CA.
Other names: c.344_345delTGinsCA (NM_002354.2); c.344_345invTG (NM_002354.2); short protein forms M115T.
Identifiers: ClinVar variation 215500 (VCV000215500.40), ClinGen allele CA338640.